The following is an entry in ClinVar:

NM_001430.5(EPAS1):c.1744C>G (p.Pro582Ala)

Gene: EPAS1 (endothelial PAS domain protein 1; plus strand). Cytogenetic location: 2p21.
Variant type: single nucleotide variant.
Coding change: c.1744C>G on transcript NM_001430.5 (MANE Select); coding-DNA position 1744, C replaced by G.
Protein change: p.Pro582Ala; replaces proline 582 with alanine.
Molecular consequence: missense variant.
Genome position (GRCh38, 1-based): chr2:46,380,416, C>G. VCF-style: chr2-46380416-C-G. GRCh37 (hg19) VCF-style: chr2-46607555-C-G.
Other names: short protein forms P582A.
Identifiers: ClinVar variation 1779254 (VCV001779254.3), dbSNP rs112574788, ClinGen allele CA46566692.
Genomic context (GRCh38, chr2:46,380,416, plus strand): 5'-CACTGCTTCAGTGCCATGACAAACATCTTCCAGCCACTGGCCCCTGTAGCCCCGCACAGT[C>G]CCTTCCTCCTGGACAAGTTTCAGCAGCAGCTGGAGAGCAAGAAGACAGAGCCCGAGCACC-3'
Protein context (NP_001421.2, residues 572-592): QPLAPVAPHS[Pro582Ala]FLLDKFQQQL

ClinVar aggregate classification (germline): Uncertain significance (1 of 4 stars; one submission).

Conditions:
Inborn genetic diseases. Identifiers: MedGen C0950123, MeSH D030342.

Submission:

Ambry Genetics
Classification: Uncertain significance for Inborn genetic diseases. Last evaluated: 2024-04-15. Review status: criteria provided, single submitter. Criteria: Ambry Variant Classification Scheme 2023. Collection method: clinical testing. Allele origin: germline.
Comment: The p.P582A variant (also known as c.1744C>G), located in coding exon 12 of the EPAS1 gene, results from a C to G substitution at nucleotide position 1744. The proline at codon 582 is replaced by alanine, an amino acid with highly similar properties. This amino acid position is conserved. In addition, this alteration is predicted to be tolerated by in silico analysis. Since supporting evidence is limited at this time, the clinical significance of this alteration remains unclear.